The following is an entry in ClinVar:

NM_007212.4(RNF2):c.590C>T (p.Thr197Ile)

Gene: RNF2 (ring finger protein 2; plus strand). Cytogenetic location: 1q25.3.
Variant type: single nucleotide variant.
Coding change: c.590C>T on transcript NM_007212.4 (MANE Select); coding-DNA position 590, C replaced by T.
Protein change: p.Thr197Ile; replaces threonine 197 with isoleucine.
Molecular consequence: missense variant.
Genome position (GRCh38, 1-based): chr1:185,098,197, C>T. VCF-style: chr1-185098197-C-T. GRCh37 (hg19) VCF-style: chr1-185067329-C-T.
Other names: short protein forms T197I.
Identifiers: ClinVar variation 4076381 (VCV004076381.1).

ClinVar aggregate classification (germline): Uncertain significance (1 of 4 stars; one submission).

Conditions:
Luo-Schoch-Yamamoto syndrome. Identifiers: MedGen C5561946, MONDO:0859171, OMIM 619460.

gnomAD v4.1: 1 of 1,614,158 alleles (0.000062%); highest among the groups gnomAD compares: Non-Finnish European, 0.000085%; no homozygotes.

Submission:

Laboratorio de Genetica e Diagnostico Molecular, Hospital Israelita Albert Einstein
Classification: Uncertain significance for Luo-Schoch-Yamamoto syndrome. Last evaluated: 2024-10-25. Review status: criteria provided, single submitter. Criteria: ACMG Guidelines, 2015. Collection method: clinical testing. Allele origin: germline. Affected: yes.
Comment: ACMG classification criteria: PM2 supporting, BP4 supporting